The following is an entry in ClinVar:

NM_130384.3(ATRIP):c.733A>G (p.Thr245Ala)

Genes: ATRIP (ATR interacting protein; plus strand), ATRIP-TREX1 (ATRIP-TREX1 readthrough; plus strand). Cytogenetic location: 3p21.31.
Variant type: single nucleotide variant.
Coding change: c.733A>G on transcript NM_130384.3 (MANE Select); coding-DNA position 733, A replaced by G.
Protein change: p.Thr245Ala; replaces threonine 245 with alanine.
Molecular consequence: missense variant. On other transcripts: non-coding transcript variant (1).
Genome position (GRCh38, 1-based): chr3:48,457,320, A>G. VCF-style: chr3-48457320-A-G. GRCh37 (hg19) VCF-style: chr3-48498720-A-G.
Other names: c.352A>G, p.Thr118Ala (NM_001271022.2); c.454A>G, p.Thr152Ala (NM_001271023.2); c.733A>G, p.Thr245Ala (NM_032166.4); short protein forms T118A, T152A, T245A.
Identifiers: ClinVar variation 3809542 (VCV003809542.1).

ClinVar aggregate classification (germline): Uncertain significance (1 of 4 stars; one submission).

gnomAD v4.1: 2 of 1,607,046 alleles (0.00012%); highest among the groups gnomAD compares: Admixed American, 0.0017%; no homozygotes.

Submission:

Ambry Genetics
Classification: Uncertain significance. Last evaluated: 2025-01-05. Review status: criteria provided, single submitter. Criteria: Ambry Variant Classification Scheme 2023. Collection method: clinical testing. Allele origin: germline.
Comment: The p.T245A variant (also known as c.733A>G), located in coding exon 5 of the ATRIP gene, results from an A to G substitution at nucleotide position 733. The threonine at codon 245 is replaced by alanine, an amino acid with similar properties. This amino acid position is conserved. In addition, this alteration is predicted to be tolerated by in silico analysis. Based on the available evidence, the clinical significance of this variant remains unclear.